The following is an entry in ClinVar:

NM_001018115.3(FANCD2):c.1026T>G (p.Cys342Trp)

Genes: FANCD2 (FA complementation group D2; plus strand), LOC107303338 (3p25 FANCD2 Alu-mediated recombination region; plus strand). Cytogenetic location: 3p25.3.
Variant type: single nucleotide variant.
Coding change: c.1026T>G on transcript NM_001018115.3 (MANE Select); coding-DNA position 1026, T replaced by G.
Protein change: p.Cys342Trp; replaces cysteine 342 with tryptophan.
Molecular consequence: missense variant.
Genome position (GRCh38, 1-based): chr3:10,043,520, T>G. VCF-style: chr3-10043520-T-G. GRCh37 (hg19) VCF-style: chr3-10085204-T-G.
Other names: c.1026T>G, p.Cys342Trp (NM_001319984.2, NM_001374253.1, NM_001374254.1 and 1 more transcripts); c.1026T>G (NM_033084.4); short protein forms C342W.
Identifiers: ClinVar variation 3588165 (VCV003588165.3).

ClinVar aggregate classification (germline): Uncertain significance. Review status: criteria provided, multiple submitters, no conflicts (2 of 4 stars). 2 submissions from 2 submitters: Uncertain significance (2). Last evaluated 2026-04-11.

Conditions:
Fanconi anemia complementation group D2. Also called: FANCD2-Related Fanconi Anemia; FANCONI PANCYTOPENIA, TYPE 4; FANCONI ANEMIA, COMPLEMENTATION GROUP D. Identifiers: Orphanet 84, MedGen C3160738, MONDO:0009214, OMIM 227646.

gnomAD v4.1: 3 of 1,613,954 alleles (0.00019%); highest among the groups gnomAD compares: Non-Finnish European, 0.00025%; no homozygotes.

Submissions (2):

GeneDx
Classification: Uncertain significance. Last evaluated: 2026-04-11. Review status: criteria provided, single submitter. Criteria: GeneDx Variant Classification Process June 2021. Collection method: clinical testing. Allele origin: germline.
Comment: Not observed at significant frequency in large population cohorts (gnomAD); In silico analysis supports that this missense variant has a deleterious effect on protein structure/function; Has not been previously published as pathogenic or benign to our knowledge

Fulgent Genetics
Classification: Uncertain significance for Fanconi anemia complementation group D2. Last evaluated: 2024-03-09. Review status: criteria provided, single submitter. Criteria: ACMG Guidelines, 2015. Collection method: clinical testing. Allele origin: germline.